The following is an entry in ClinVar:

NM_001148.6(ANK2):c.8087C>T (p.Pro2696Leu)

Gene: ANK2 (ankyrin 2; plus strand). Cytogenetic location: 4q26.
Variant type: single nucleotide variant.
Coding change: c.8087C>T on transcript NM_001148.6 (MANE Select); coding-DNA position 8087, C replaced by T.
Protein change: p.Pro2696Leu; replaces proline 2696 with leucine.
Molecular consequence: missense variant. On other transcripts: intron variant (68).
Genome position (GRCh38, 1-based): chr4:113,356,705, C>T. VCF-style: chr4-113356705-C-T. GRCh37 (hg19) VCF-style: chr4-114277861-C-T.
Other names: c.7853C>T, p.Pro2618Leu (NM_001386142.1); c.4487C>T, p.Pro1496Leu (NM_001386166.1); c.8228C>T, p.Pro2743Leu (NM_001386174.1); c.8204C>T, p.Pro2735Leu (NM_001386175.1); c.4412-4118C>T (NM_001386186.2, NM_001386148.2); c.4214-4118C>T (NM_001354269.3); c.4292-4118C>T (NM_001386187.2); c.4253-4118C>T (NM_001386147.1); and 35 more; short protein forms P2696L, P1496L, P2618L, P2735L, P2743L.
Identifiers: ClinVar variation 527064 (VCV000527064.13), dbSNP rs371879286, ClinGen allele CA3051708.

ClinVar aggregate classification (germline): Conflicting classifications of pathogenicity. Review status: criteria provided, conflicting classifications (1 of 4 stars). 4 submissions from 4 submitters: Uncertain significance (1); Likely benign (3). Last evaluated 2025-10-04.

Conditions:
Long QT syndrome (LQTS). Identifiers: MedGen C0023976, MeSH D008133, MONDO:0002442. Disease mechanism: loss of function. Inheritance: Various modes of inheritance.
Cardiovascular phenotype. Identifiers: MedGen CN230736.

Allele frequency attached by ClinVar (database versions not stated): TOPMed 0.00003; gnomAD 0.00004 and 0.00005; ESP Exome Variant Server 0.00008; gnomAD exomes 0.00013 and 0.00016; ExAC 0.00017.
gnomAD v4.1: 193 of 1,614,006 alleles (0.012%); highest among the groups gnomAD compares: South Asian, 0.13%; no homozygotes.

Submissions (4):

Labcorp Genetics (formerly Invitae), Labcorp
Classification: Likely benign for Long QT syndrome. Last evaluated: 2025-10-04. Review status: criteria provided, single submitter. Criteria: Invitae Variant Classification Sherloc (09022015). Collection method: clinical testing. Allele origin: germline.

GeneDx
Classification: Uncertain significance. Last evaluated: 2025-04-16. Review status: criteria provided, single submitter. Criteria: GeneDx Variant Classification Process June 2021. Collection method: clinical testing. Allele origin: germline. Affected: yes.
Comment: Has not been previously published as pathogenic or benign to our knowledge; In silico analysis supports that this missense variant has a deleterious effect on protein structure/function; This variant is associated with the following publications: (PMID: 1830053, 18790697, 26109584)

Blueprint Genetics
Classification: Likely benign. Last evaluated: 2023-09-20. Review status: criteria provided, single submitter. Criteria: ACMG Guidelines, 2015. Collection method: clinical testing. Allele origin: germline.

Ambry Genetics
Classification: Likely benign for Cardiovascular phenotype. Last evaluated: 2022-05-05. Review status: criteria provided, single submitter. Criteria: Ambry Variant Classification Scheme 2023. Collection method: clinical testing. Allele origin: germline.